The following is an entry in ClinVar:

ClinVar aggregate classification (germline): Pathogenic (1 of 4 stars; one submission).

Submission:

Quest Diagnostics Nichols Institute San Juan Capistrano
Classification: Pathogenic. Last evaluated: 2023-05-07. Review status: criteria provided, single submitter. Criteria: ACMG/ClinGen CNV Guidelines, 2019. Collection method: clinical testing. Allele origin: unknown.
Comment: This copy number gain of 16p11.2 involves several genes including TBX6 (OMIM 602427) and is associated with the proximal (BP4-BP5) 16p11.2 microduplication syndrome (OMIM 614671, Redaelli et al., Int J Mol Sci. 2019 Mar 4;20(5). Pii: E1095. PMID: 30836598). Inheritance from a normal or mildly affected parent has been reported, suggesting incomplete penetrance and variable expressivity. Therefore, this copy number variant is classified as pathogenic with incomplete penetrance and variable expressivity. See GeneReviews for additional information and references

GRCh37/hg19 16p11.2(chr16:29597823-30321320)x3

Genes: ALDOA (aldolase, fructose-bisphosphate A; plus strand), ASPHD1 (aspartate beta-hydroxylase domain containing 1; plus strand), BOLA2B (bolA family member 2B; minus strand), C16orf54 (chromosome 16 open reading frame 54; minus strand), C16orf92 (chromosome 16 open reading frame 92; plus strand) and 25 more. Cytogenetic location: 16p11.2.
Variant type: copy number gain.
Change: copy number 3 (three copies instead of two) of chr16:29,597,823-30,321,320 (723.5 kb, GRCh37 coordinates, 1-based), cytogenetic band 16p11.2.
Identifiers: ClinVar variation 2684803 (VCV002684803.1).